The following is an entry in ClinVar:

NM_025216.3(WNT10A):c.932dup (p.Pro312fs)

Gene: WNT10A (Wnt family member 10A; plus strand). Cytogenetic location: 2q35.
Variant type: Duplication.
Coding change: c.932dup on transcript NM_025216.3 (MANE Select); coding-DNA position 932, one base duplicated (A; older notation c.932dupA).
Protein change: p.Pro312fs; shifts the reading frame from proline 312.
Molecular consequence: frameshift variant.
Genome position (GRCh38, 1-based): chr2:218,892,949, A duplicated. VCF-style (leftmost placement, unchanged base first): chr2-218892948-G-GA. GRCh37 (hg19) VCF-style: chr2-219757670-G-GA.
Other names: c.932dup (NM_025216.2); short protein forms P312fs.
Identifiers: ClinVar variation 1075424 (VCV001075424.10), dbSNP rs2106018397, ClinGen allele CA2499215668.

ClinVar aggregate classification (germline): Pathogenic/Likely pathogenic. Review status: criteria provided, multiple submitters, no conflicts (2 of 4 stars). 3 submissions from 3 submitters: Pathogenic (1); Likely pathogenic (2). Last evaluated 2026-02-09.

Conditions:
Odonto-onycho-dermal dysplasia. Identifiers: Orphanet 2721, MedGen C0796093, MONDO:0009773, OMIM 257980.
Tooth agenesis, selective, 4 (STHAG4). Also called: LATERAL INCISORS, ABSENCE OF; LATERAL INCISORS, PEGGED OR MISSING; SUCCEDANEOUS TEETH, AGENESIS OF; TOOTH AGENESIS, SELECTIVE, 4, WITH OR WITHOUT ECTODERMAL DYSPLASIA. Identifiers: Orphanet 99798, MedGen C1835492, MONDO:0007881, OMIM 150400. Disease mechanism: loss of function.

Allele frequency attached by ClinVar (database versions not stated): gnomAD exomes below 0.00001.

Submissions (3):

GeneDx
Classification: Likely pathogenic. Last evaluated: 2026-02-09. Review status: criteria provided, single submitter. Criteria: GeneDx Variant Classification Process June 2021. Collection method: clinical testing. Allele origin: germline.
Comment: Frameshift variant predicted to result in abnormal protein length as the last 106 amino acid(s) are replaced with 115 different amino acid(s), and other similar variants have been reported in HGMD; Not observed at significant frequency in large population cohorts (gnomAD); Has not been previously published as pathogenic or benign to our knowledge

Variantyx, Inc.
Classification: Likely pathogenic for Odonto-onycho-dermal dysplasia. Last evaluated: 2025-09-05. Review status: criteria provided, single submitter. Criteria: Variantyx Assertion Criteria 2022. Collection method: clinical testing. Allele origin: germline. Inheritance: Autosomal recessive inheritance. Affected: no.
Comment: This is a frameshift variant in the WNT10A gene (OMIM: 606268). Pathogenic variants in this gene have been associated with autosomal recessive WNT10A-related ectodermal dysplasia. This variant introduces a premature termination codon in exon 4 out of 4 and is expected to result in loss of function, which is a known disease mechanism for WNT10A in this disorder (PMID: 25629078, 29178643) (PVS1). This variant has a 0.0001% maximum allele frequency in non-founder control populations (PM2). Based on the current evidence, this variant is classified as likely pathogenic for autosomal recessive WNT10A-related ectodermal dysplasia.

Labcorp Genetics (formerly Invitae), Labcorp
Classification: Pathogenic for Tooth agenesis, selective, 4; Odonto-onycho-dermal dysplasia. Last evaluated: 2021-08-18. Review status: criteria provided, single submitter. Criteria: Invitae Variant Classification Sherloc (09022015). Collection method: clinical testing. Allele origin: germline.
Comment: For these reasons, this variant has been classified as Pathogenic. This variant disrupts a region of the WNT10A protein in which other variant(s) (p.Glu390*) have been determined to be pathogenic (Invitae). This suggests that this is a clinically significant region of the protein, and that variants that disrupt it are likely to be disease-causing. ClinVar contains an entry for this variant (Variation ID: 1075424). This variant has not been reported in the literature in individuals affected with WNT10A-related conditions. The frequency data for this variant in the population databases is considered unreliable, as metrics indicate insufficient coverage at this position in the ExAC database. This sequence change results in a frameshift in the WNT10A gene (p.Pro312Alafs*116). While this is not anticipated to result in nonsense mediated decay, it is expected to disrupt the last 106 amino acid(s) of the WNT10A protein and extend the protein by 9 additional amino acid residues.

Literature cited by the submitters: PubMed 25629078 (cited by Variantyx, Inc.); PubMed 29178643 (cited by Variantyx, Inc.).